The following is an entry in ClinVar:

ClinVar aggregate classification (germline): Uncertain significance (1 of 4 stars; one submission).

Allele frequency attached by ClinVar (database versions not stated): TOPMed below 0.00001; ExAC 0.00001; gnomAD 0.00001.
gnomAD v4.1: 1 of 1,613,156 alleles (0.000062%); highest among the groups gnomAD compares: Non-Finnish European, 0.000085%; no homozygotes.

Submission:

Labcorp Genetics (formerly Invitae), Labcorp
Classification: Uncertain significance. Last evaluated: 2023-12-11. Review status: criteria provided, single submitter. Criteria: Invitae Variant Classification Sherloc (09022015). Collection method: clinical testing. Allele origin: germline.
Comment: This sequence change replaces serine, which is neutral and polar, with alanine, which is neutral and non-polar, at codon 2370 of the CACNA1G protein (p.Ser2370Ala). This variant is present in population databases (rs762905981, gnomAD 0.0009%). This variant has not been reported in the literature in individuals affected with CACNA1G-related conditions. ClinVar contains an entry for this variant (Variation ID: 2129663). Advanced modeling of protein sequence and biophysical properties (such as structural, functional, and spatial information, amino acid conservation, physicochemical variation, residue mobility, and thermodynamic stability) performed at Invitae indicates that this missense variant is not expected to disrupt CACNA1G protein function with a negative predictive value of 95%. In summary, the available evidence is currently insufficient to determine the role of this variant in disease. Therefore, it has been classified as a Variant of Uncertain Significance.

NM_018896.5(CACNA1G):c.7108T>G (p.Ser2370Ala)

Gene: CACNA1G (calcium voltage-gated channel subunit alpha1 G; plus strand). Cytogenetic location: 17q21.33.
Variant type: single nucleotide variant.
Coding change: c.7108T>G on transcript NM_018896.5 (MANE Select); coding-DNA position 7108, T replaced by G.
Protein change: p.Ser2370Ala; replaces serine 2370 with alanine.
Molecular consequence: missense variant. On other transcripts: non-coding transcript variant (5).
Genome position (GRCh38, 1-based): chr17:50,626,725, T>G. VCF-style: chr17-50626725-T-G. GRCh37 (hg19) VCF-style: chr17-48704086-T-G.
Other names: c.6919T>G, p.Ser2307Ala (NM_001256324.2); c.6850T>G, p.Ser2284Ala (NM_001256325.2); c.6838T>G, p.Ser2280Ala (NM_001256326.2); c.6808T>G, p.Ser2270Ala (NM_001256327.2); c.6754T>G, p.Ser2252Ala (NM_001256328.2); c.6727T>G, p.Ser2243Ala (NM_001256329.2, NM_198387.3); c.6694T>G, p.Ser2232Ala (NM_001256330.2); c.6673T>G, p.Ser2225Ala (NM_001256331.2); and 18 more; short protein forms S2164A, S2220A, S2225A, S2266A, S2270A, S2284A, S2370A, S2198A.
Identifiers: ClinVar variation 2129663 (VCV002129663.4), dbSNP rs762905981, ClinGen allele CA8653810.